The following is an entry in ClinVar:

ClinVar aggregate classification (germline): Uncertain significance (1 of 4 stars; one submission).

Submission:

Women's Health and Genetics/Laboratory Corporation of America, LabCorp
Classification: Uncertain significance. Last evaluated: 2026-02-10. Review status: criteria provided, single submitter. Criteria: LabCorp Variant Classification Summary - May 2015. Collection method: clinical testing. Allele origin: germline.
Comment: Variant summary: RPS28 c.-7C>G is located in the untranslated mRNA region upstream of the initiation codon. The variant allele was found at a frequency of 1.5e-05 in 203120 control chromosomes. The available data on variant occurrences in the general population are insufficient to allow any conclusion about variant significance. To our knowledge, no occurrence of c.-7C>G in individuals affected with RPS28-related conditions and no experimental evidence demonstrating its impact on protein function have been reported. No submitters have cited clinical-significance assessments for this variant to ClinVar. Based on the evidence outlined above, the variant was classified as uncertain significance.

NM_001031.5(RPS28):c.-7C>G

Gene: RPS28 (ribosomal protein S28; plus strand). Cytogenetic location: 19p13.2.
Variant type: single nucleotide variant.
Coding change: c.-7C>G on transcript NM_001031.5 (MANE Select); 7 bases upstream of the start codon, C replaced by G.
Molecular consequence: 5 prime UTR variant.
Genome position (GRCh38, 1-based): chr19:8,321,524, C>G. VCF-style: chr19-8321524-C-G. GRCh37 (hg19) VCF-style: chr19-8386408-C-G.
Identifiers: ClinVar variation 4847920 (VCV004847920.1).